The following is an entry in ClinVar:

NM_001318895.3(FHL2):c.374C>A (p.Thr125Asn)

Genes: C2orf49 (chromosome 2 open reading frame 49; plus strand), FHL2 (four and a half LIM domains 2; minus strand). Cytogenetic location: 2q12.2.
Variant type: single nucleotide variant.
Coding change: c.374C>A on transcript NM_001318895.3 (MANE Select); coding-DNA position 374, C replaced by A.
Protein change: p.Thr125Asn; replaces threonine 125 with asparagine.
Molecular consequence: missense variant.
Genome position (GRCh38, 1-based): chr2:105,367,697, G>T on the plus strand (C>A on the coding strand, the complement: FHL2 is on the minus strand). VCF-style: chr2-105367697-G-T. GRCh37 (hg19) VCF-style: chr2-105984154-G-T.
Other names: c.374C>A, p.Thr125Asn (NM_001039492.3, NM_001318894.1, NM_001318896.2 and 4 more transcripts); c.32C>A, p.Thr11Asn (NM_001318897.2, NM_001318898.2); c.50C>A, p.Thr17Asn (NM_001318899.2); short protein forms T125N, T11N, T17N.
Identifiers: ClinVar variation 410316 (VCV000410316.5), dbSNP rs773356788, ClinGen allele CA1814745.
Genomic context (GRCh38, chr2:105,367,697, plus strand): 5'-TCTTTGGGGATGAAACTCTTGGTTCCAATTGGCTGCTGGCAGCGGTGGCAGATGAAGCAG[G>T]TCTCATGCCAGCTGCTGCCCTTGTACTCCATCTTGCGGGTACCTGTCATCAGGGTCAAGA-3'
Protein context (NP_001305824.1, residues 115-135): MEYKGSSWHE[Thr125Asn]CFICHRCQQP

ClinVar aggregate classification (germline): Uncertain significance (1 of 4 stars; one submission).

Conditions:
Primary dilated cardiomyopathy (DCM). Also called: Dilated Cardiomyopathy. Identifiers: Orphanet 217604, MedGen C0007193, MeSH D002311, MONDO:0005021, HP:0001644. Inheritance: Various modes of inheritance.

Allele frequency attached by ClinVar (database versions not stated): ExAC 0.00001; gnomAD exomes 0.00001; gnomAD 0.00005; TOPMed 0.00008.
gnomAD v4.1: 15 of 1,614,064 alleles (0.00093%); highest among the groups gnomAD compares: African/African-American, 0.012%; no homozygotes.

Submission:

Labcorp Genetics (formerly Invitae), Labcorp
Classification: Uncertain significance for Primary dilated cardiomyopathy. Last evaluated: 2025-11-18. Review status: criteria provided, single submitter. Criteria: Invitae Variant Classification Sherloc (09022015). Collection method: clinical testing. Allele origin: germline.
Comment: This sequence change replaces threonine, which is neutral and polar, with asparagine, which is neutral and polar, at codon 125 of the FHL2 protein (p.Thr125Asn). This variant is present in population databases (rs773356788, gnomAD 0.008%). This variant has not been reported in the literature in individuals affected with FHL2-related conditions. ClinVar contains an entry for this variant (Variation ID: 410316). Invitae Evidence Modeling of protein sequence and biophysical properties (such as structural, functional, and spatial information, amino acid conservation, physicochemical variation, residue mobility, and thermodynamic stability) indicates that this missense variant is not expected to disrupt FHL2 protein function with a negative predictive value of 80%. In summary, the available evidence is currently insufficient to determine the role of this variant in disease. Therefore, it has been classified as a Variant of Uncertain Significance.